The following is an entry in ClinVar:

NM_001370259.2(MEN1):c.1334del (p.Gly445fs)

Gene: MEN1 (menin 1; minus strand). Cytogenetic location: 11q13.1.
Variant type: Deletion.
Coding change: c.1334del on transcript NM_001370259.2 (MANE Select); coding-DNA position 1334, one base deleted (G; older notation c.1334delG).
Protein change: p.Gly445fs; shifts the reading frame from glycine 445.
Molecular consequence: frameshift variant.
Genome position (GRCh38, 1-based): chr11:64,805,050, C deleted on the plus strand (G on the coding strand, the reverse complement: MEN1 is on the minus strand); the first of 2 consecutive C bases (chr11:64,805,050-64,805,051); deleting either gives the same sequence. VCF-style (leftmost placement, unchanged base first): chr11-64805049-GC-G. GRCh37 (hg19) VCF-style: chr11-64572521-GC-G.
Other names: c.1334delG (NM_130799.2); c.1349del, p.Gly450fs (NM_130804.3, NM_000244.4, NM_130800.3 and 3 more transcripts); c.1460del, p.Gly487fs (NM_001370251.2); c.1334del, p.Gly445fs (NM_001370260.2, NM_001370261.2, NM_130799.3); c.1229del, p.Gly410fs (NM_001370262.2, NM_001370263.2); short protein forms G450fs, G487fs, G410fs, G445fs.
Identifiers: ClinVar variation 581965 (VCV000581965.9), dbSNP rs1565640081, ClinGen allele CA891843130.

ClinVar aggregate classification (germline): Pathogenic (1 of 4 stars; one submission).

Conditions:
Multiple endocrine neoplasia, type 1 (MEN1). Also called: MEN I; WERMER SYNDROME; Endocrine adenomatosis multiple; MEN 1; MEA I. Identifiers: Orphanet 652, MedGen C0025267, MeSH D018761, MONDO:0007540, OMIM 131100.

Submission:

Labcorp Genetics (formerly Invitae), Labcorp
Classification: Pathogenic for Multiple endocrine neoplasia, type 1. Last evaluated: 2018-02-27. Review status: criteria provided, single submitter. Criteria: Invitae Variant Classification Sherloc (09022015). Collection method: clinical testing. Allele origin: germline.
Comment: This sequence change results in a premature translational stop signal in the MEN1 gene (p.Gly445Alafs*13). While this is not anticipated to result in nonsense mediated decay, it is expected to disrupt the last 166 amino acids of the MEN1 protein. This variant is not present in population databases (ExAC no frequency). This variant has not been reported in the literature in individuals with MEN1-related disease. Loss-of-function variants in MEN1 are known to be pathogenic (PMID: 12112656, 17853334). A different truncation (p.Arg516Glyfs*43) that lies downstream of this variant has been determined to be pathogenic (PMID: 9215689, 12112656, 17879353, 23321498). This suggests that deletion of this region of the MEN1 protein is causative of disease. For these reasons, this variant has been classified as Pathogenic.

Literature cited by the submitters: PubMed 12112656; PubMed 17853334; PubMed 9215689; PubMed 17879353; PubMed 23321498.